The following is an entry in ClinVar:

NM_017588.3(WDR5):c.680A>G (p.Lys227Arg)

Gene: WDR5 (WD repeat domain 5; plus strand). Cytogenetic location: 9q34.2.
Variant type: single nucleotide variant.
Coding change: c.680A>G on transcript NM_017588.3 (MANE Select); coding-DNA position 680, A replaced by G.
Protein change: p.Lys227Arg; replaces lysine 227 with arginine.
Molecular consequence: missense variant.
Genome position (GRCh38, 1-based): chr9:134,154,514, A>G. VCF-style: chr9-134154514-A-G. GRCh37 (hg19) VCF-style: chr9-137019636-A-G.
Other names: c.680A>G, p.Lys227Arg (NM_001384409.1, NM_001384410.1, NM_001384411.1 and 5 more transcripts); c.677A>G, p.Lys226Arg (NM_001384416.1); c.671A>G, p.Lys224Arg (NM_001384417.1); c.551A>G, p.Lys184Arg (NM_001384418.1, NM_001384419.1); short protein forms K184R, K224R, K226R, K227R.
Identifiers: ClinVar variation 3369081 (VCV003369081.1).
Genomic context (GRCh38, chr9:134,154,514, plus strand): 5'-TTTTTATTGCAGATGACGACAACCCCCCCGTGTCTTTTGTGAAGTTCTCCCCGAACGGCA[A>G]ATACATCCTGGCCGCCACGCTGGACAAGTGAGTACTGCGTGGGACTGTGGGGGCGGGCAT-3'
Protein context (NP_060058.1, residues 217-237): VSFVKFSPNG[Lys227Arg]YILAATLDNT

ClinVar aggregate classification (germline): Uncertain significance (1 of 4 stars; one submission).

Submission:

GeneDx
Classification: Uncertain significance. Last evaluated: 2024-02-08. Review status: criteria provided, single submitter. Criteria: GeneDx Variant Classification Process June 2021. Collection method: clinical testing. Allele origin: germline. Affected: yes.
Comment: Not observed at significant frequency in large population cohorts (gnomAD); In silico analysis supports that this missense variant has a deleterious effect on protein structure/function; Has not been previously published as pathogenic or benign to our knowledge